The following is an entry in ClinVar:

ClinVar aggregate classification (germline): Uncertain significance (1 of 4 stars; one submission).

Conditions:
Neurodevelopmental disorder with hypotonia and variable intellectual and behavioral abnormalities. Identifiers: MedGen C5231423, MONDO:0032829, OMIM 618603.

Submission:

Juno Genomics, Hangzhou Juno Genomics, Inc
Classification: Uncertain significance for Neurodevelopmental disorder with hypotonia and variable intellectual and behavioral abnormalities. Review status: criteria provided, single submitter. Criteria: ACMG Guidelines, 2015. Collection method: clinical testing. Allele origin: germline.
Comment: Absent from controls (or at extremely low frequency if recessive) in Genome Aggregation Database.;Missense variant in a gene that has a low rate of benign missense variation.;Multiple lines of computational evidence support a deleterious effect on the gene or gene product.

NM_000937.5(POLR2A):c.2066T>C (p.Ile689Thr)

Gene: POLR2A (RNA polymerase II subunit A; plus strand). Cytogenetic location: 17p13.1.
Variant type: single nucleotide variant.
Coding change: c.2066T>C on transcript NM_000937.5 (MANE Select); coding-DNA position 2066, T replaced by C.
Protein change: p.Ile689Thr; replaces isoleucine 689 with threonine.
Molecular consequence: missense variant.
Genome position (GRCh38, 1-based): chr17:7,501,304, T>C. VCF-style: chr17-7501304-T-C. GRCh37 (hg19) VCF-style: chr17-7404623-T-C.
Other names: short protein forms I689T.
Identifiers: ClinVar variation 5005813 (VCV005005813.2).